The following is an entry in ClinVar:

NM_022367.4(SEMA4A):c.148C>T (p.Arg50Cys)

Gene: SEMA4A (semaphorin 4A; plus strand). Cytogenetic location: 1q22.
Variant type: single nucleotide variant.
Coding change: c.148C>T on transcript NM_022367.4 (MANE Select); coding-DNA position 148, C replaced by T.
Protein change: p.Arg50Cys; replaces arginine 50 with cysteine.
Molecular consequence: missense variant. On other transcripts: 5 prime UTR variant (4).
Genome position (GRCh38, 1-based): chr1:156,156,422, C>T. VCF-style: chr1-156156422-C-T. GRCh37 (hg19) VCF-style: chr1-156126213-C-T.
Other names: c.148C>T, p.Arg50Cys (NM_001193300.2, NM_001193301.2, NM_001370567.1); c.-150C>T (NM_001193302.2, NM_001370568.1); c.-377C>T (NM_001370569.1, NM_001370571.1); short protein forms R50C.
Identifiers: ClinVar variation 3439458 (VCV003439458.3).

ClinVar aggregate classification (germline): Uncertain significance. Review status: criteria provided, multiple submitters, no conflicts (2 of 4 stars). 3 submissions from 3 submitters: Uncertain significance (3). Last evaluated 2025-04-23.

gnomAD v4.1: 34 of 1,613,938 alleles (0.0021%); highest among the groups gnomAD compares: South Asian, 0.011%; no homozygotes.

Submissions (3):

Labcorp Genetics (formerly Invitae), Labcorp
Classification: Uncertain significance. Last evaluated: 2025-04-23. Review status: criteria provided, single submitter. Criteria: Invitae Variant Classification Sherloc (09022015). Collection method: clinical testing. Allele origin: germline.
Comment: This sequence change replaces arginine, which is basic and polar, with cysteine, which is neutral and slightly polar, at codon 50 of the SEMA4A protein (p.Arg50Cys). This variant is present in population databases (rs756798794, gnomAD 0.01%). This variant has not been reported in the literature in individuals affected with SEMA4A-related conditions. ClinVar contains an entry for this variant (Variation ID: 3439458). An algorithm developed to predict the effect of missense changes on protein structure and function (PolyPhen-2) suggests that this variant is likely to be disruptive. In summary, the available evidence is currently insufficient to determine the role of this variant in disease. Therefore, it has been classified as a Variant of Uncertain Significance.

Ambry Genetics
Classification: Uncertain significance. Last evaluated: 2024-11-20. Review status: criteria provided, single submitter. Criteria: Ambry Variant Classification Scheme 2023. Collection method: clinical testing. Allele origin: germline.

Blueprint Genetics
Classification: Uncertain significance. Last evaluated: 2022-03-15. Review status: criteria provided, single submitter. Criteria: ACMG Guidelines, 2015. Collection method: clinical testing. Allele origin: germline.